The following is an entry in ClinVar:

NM_000245.4(MET):c.3112G>T (p.Gly1038Trp)

Gene: MET (MET proto-oncogene, receptor tyrosine kinase; plus strand). Cytogenetic location: 7q31.2.
Variant type: single nucleotide variant.
Coding change: c.3112G>T on transcript NM_000245.4 (MANE Select); coding-DNA position 3112, G replaced by T.
Protein change: p.Gly1038Trp; replaces glycine 1038 with tryptophan.
Molecular consequence: missense variant.
Genome position (GRCh38, 1-based): chr7:116,774,964, G>T. VCF-style: chr7-116774964-G-T. GRCh37 (hg19) VCF-style: chr7-116415018-G-T.
Other names: c.3166G>T, p.Gly1056Trp (NM_001127500.3); c.1822G>T, p.Gly608Trp (NM_001324402.2); short protein forms G1038W, G1056W, G608W.
Identifiers: ClinVar variation 1975586 (VCV001975586.6), dbSNP rs2117030562, ClinGen allele CA368988162.

ClinVar aggregate classification (germline): Uncertain significance. Review status: criteria provided, multiple submitters, no conflicts (2 of 4 stars). 2 submissions from 2 submitters: Uncertain significance (2). Last evaluated 2026-01-22.

Conditions:
Renal cell carcinoma. Identifiers: Orphanet 217071, MedGen C0007134, MeSH D002292, MONDO:0005086, HP:0005584.
Hereditary cancer-predisposing syndrome. Also called: Neoplastic Syndromes, Hereditary; Tumor predisposition; Hereditary Cancer Syndrome; Hereditary neoplastic syndrome. Identifiers: Orphanet 140162, MedGen C0027672, MeSH D009386, MONDO:0015356.

Submissions (2):

Ambry Genetics
Classification: Uncertain significance for Hereditary cancer-predisposing syndrome. Last evaluated: 2026-01-22. Review status: criteria provided, single submitter. Criteria: Ambry Variant Classification Scheme 2023. Collection method: clinical testing. Allele origin: germline.
Comment: The p.G1056W variant (also known as c.3166G>T), located in coding exon 14 of the MET gene, results from a G to T substitution at nucleotide position 3166. The glycine at codon 1056 is replaced by tryptophan, an amino acid with highly dissimilar properties. This amino acid position is conserved. In addition, the in silico prediction for this alteration is inconclusive. Based on the available evidence, the clinical significance of this variant remains unclear.

Labcorp Genetics (formerly Invitae), Labcorp
Classification: Uncertain significance for Renal cell carcinoma. Last evaluated: 2023-04-03. Review status: criteria provided, single submitter. Criteria: Invitae Variant Classification Sherloc (09022015). Collection method: clinical testing. Allele origin: germline.
Comment: This sequence change replaces glycine, which is neutral and non-polar, with tryptophan, which is neutral and slightly polar, at codon 1056 of the MET protein (p.Gly1056Trp). This variant is not present in population databases (gnomAD no frequency). This variant has not been reported in the literature in individuals affected with MET-related conditions. ClinVar contains an entry for this variant (Variation ID: 1975586). An algorithm developed to predict the effect of missense changes on protein structure and function (PolyPhen-2) suggests that this variant is likely to be disruptive. In summary, the available evidence is currently insufficient to determine the role of this variant in disease. Therefore, it has been classified as a Variant of Uncertain Significance.